The following is an entry in ClinVar:

ClinVar aggregate classification (germline): Uncertain significance. Review status: criteria provided, multiple submitters, no conflicts (2 of 4 stars). 2 submissions from 2 submitters: Uncertain significance (2). Last evaluated 2025-07-30.

Conditions:
Hereditary cancer-predisposing syndrome. Also called: Tumor predisposition; Hereditary Cancer Syndrome; Hereditary neoplastic syndrome; Neoplastic Syndromes, Hereditary. Identifiers: Orphanet 140162, MedGen C0027672, MeSH D009386, MONDO:0015356.
Hereditary nonpolyposis colorectal neoplasms. Identifiers: MedGen C0009405, MeSH D003123.

Submissions (2):

Labcorp Genetics (formerly Invitae), Labcorp
Classification: Uncertain significance for Hereditary nonpolyposis colorectal neoplasms. Last evaluated: 2025-07-30. Review status: criteria provided, single submitter. Criteria: Invitae Variant Classification Sherloc (09022015). Collection method: clinical testing. Allele origin: germline.
Comment: This sequence change replaces glutamic acid, which is acidic and polar, with glutamine, which is neutral and polar, at codon 675 of the MSH6 protein (p.Glu675Gln). This variant is not present in population databases (gnomAD no frequency). This variant has not been reported in the literature in individuals affected with MSH6-related conditions. ClinVar contains an entry for this variant (Variation ID: 1444000). Invitae Evidence Modeling of protein sequence and biophysical properties (such as structural, functional, and spatial information, amino acid conservation, physicochemical variation, residue mobility, and thermodynamic stability) indicates that this missense variant is not expected to disrupt MSH6 protein function with a negative predictive value of 95%. In summary, the available evidence is currently insufficient to determine the role of this variant in disease. Therefore, it has been classified as a Variant of Uncertain Significance.

Color Diagnostics, LLC DBA Color Health
Classification: Uncertain significance for Hereditary cancer-predisposing syndrome. Last evaluated: 2024-09-08. Review status: criteria provided, single submitter. Criteria: ACMG Guidelines, 2015. Collection method: clinical testing. Allele origin: germline.
Comment: This missense variant replaces glutamic acid with glutamine at codon 675 of the MSH6 protein. Computational prediction suggests that this variant may not impact protein structure and function (internally defined REVEL score threshold <= 0.5, PMID: 27666373). To our knowledge, functional studies have not been reported for this variant. This variant has not been reported in individuals affected with MSH6-related disorders in the literature. This variant has not been identified in the general population by the Genome Aggregation Database (gnomAD). The available evidence is insufficient to determine the role of this variant in disease conclusively. Therefore, this variant is classified as a Variant of Uncertain Significance.

NM_000179.3(MSH6):c.2023G>C (p.Glu675Gln)

Gene: MSH6 (mutS homolog 6; plus strand). Cytogenetic location: 2p16.3.
Variant type: single nucleotide variant.
Coding change: c.2023G>C on transcript NM_000179.3 (MANE Select); coding-DNA position 2023, G replaced by C.
Protein change: p.Glu675Gln; replaces glutamic acid 675 with glutamine.
Molecular consequence: missense variant.
Genome position (GRCh38, 1-based): chr2:47,800,006, G>C. VCF-style: chr2-47800006-G-C. GRCh37 (hg19) VCF-style: chr2-48027145-G-C.
Other names: c.1633G>C, p.Glu545Gln (NM_001281492.2); c.1117G>C, p.Glu373Gln (NM_001281493.2, NM_001281494.2); short protein forms E373Q, E545Q, E675Q.
Identifiers: ClinVar variation 1444000 (VCV001444000.9), dbSNP rs878853713, ClinGen allele CA346750704.